The following is an entry in ClinVar:

NM_018191.4(RCBTB1):c.278A>T (p.Asp93Val)

Gene: RCBTB1 (RCC1 and BTB domain containing protein 1; minus strand). Cytogenetic location: 13q14.2.
Variant type: single nucleotide variant.
Coding change: c.278A>T on transcript NM_018191.4 (MANE Select); coding-DNA position 278, A replaced by T.
Protein change: p.Asp93Val; replaces aspartic acid 93 with valine.
Molecular consequence: missense variant. On other transcripts: 5 prime UTR variant (1), non-coding transcript variant (2).
Genome position (GRCh38, 1-based): chr13:49,560,084, T>A on the plus strand (A>T on the coding strand, the complement: RCBTB1 is on the minus strand). VCF-style: chr13-49560084-T-A. GRCh37 (hg19) VCF-style: chr13-50134220-T-A.
Other names: c.278A>T (NM_018191.3); c.278A>T, p.Asp93Val (NM_001352500.2, NM_001352501.2, NM_001352502.2 and 3 more transcripts); c.-332A>T (NM_001352506.2); short protein forms D93V.
Identifiers: ClinVar variation 1462288 (VCV001462288.9), dbSNP rs753422733, ClinGen allele CA6982924.
Genomic context (GRCh38, chr13:49,560,084, plus strand): 5'-TTGGTCGTCCCATTCCCAAGCTGGCTATATCCATTGTGGCCCCAGGCATAAACCACTCCA[T>A]CTGTGCACACAAAGCACACAAAAAATCAGCTCCAAAAAGAAATAGTAACCCTGTACTTTC-3'
Protein context (NP_060661.3, residues 83-103): SGPHVLLSTE[Asp93Val]GVVYAWGHNG

ClinVar aggregate classification (germline): Uncertain significance. Review status: criteria provided, multiple submitters, no conflicts (2 of 4 stars). 3 submissions from 3 submitters: Uncertain significance (3). Last evaluated 2025-08-13.

Allele frequency attached by ClinVar (database versions not stated): gnomAD 0.00001; gnomAD exomes 0.00002 and 0.00003; ExAC 0.00003.
gnomAD v4.1: 26 of 1,611,772 alleles (0.0016%); highest among the groups gnomAD compares: Non-Finnish European, 0.0022%; no homozygotes.

Submissions (3):

Ambry Genetics
Classification: Uncertain significance. Last evaluated: 2025-08-13. Review status: criteria provided, single submitter. Criteria: Ambry Variant Classification Scheme 2023. Collection method: clinical testing. Allele origin: germline.

Blueprint Genetics
Classification: Uncertain significance. Last evaluated: 2024-10-28. Review status: criteria provided, single submitter. Criteria: ACMG Guidelines, 2015. Collection method: clinical testing. Allele origin: germline.

Labcorp Genetics (formerly Invitae), Labcorp
Classification: Uncertain significance. Last evaluated: 2021-02-19. Review status: criteria provided, single submitter. Criteria: Invitae Variant Classification Sherloc (09022015). Collection method: clinical testing. Allele origin: germline.
Comment: This variant has not been reported in the literature in individuals with RCBTB1-related conditions. This variant is present in population databases (rs753422733, ExAC 0.006%). This sequence change replaces aspartic acid with valine at codon 93 of the RCBTB1 protein (p.Asp93Val). The aspartic acid residue is highly conserved and there is a large physicochemical difference between aspartic acid and valine. Algorithms developed to predict the effect of missense changes on protein structure and function are either unavailable or do not agree on the potential impact of this missense change (SIFT: "Deleterious"; PolyPhen-2: "Possibly Damaging"; Align-GVGD: "Class C15"). In summary, the available evidence is currently insufficient to determine the role of this variant in disease. Therefore, it has been classified as a Variant of Uncertain Significance.